The following is an entry in ClinVar:

NM_000722.4(CACNA2D1):c.780-8A>G

Gene: CACNA2D1 (calcium voltage-gated channel auxiliary subunit alpha2delta 1; minus strand). Cytogenetic location: 7q21.11.
Variant type: single nucleotide variant.
Coding change: c.780-8A>G on transcript NM_000722.4 (MANE Select); 8 bases into the intron before coding-DNA position 780, A replaced by G.
Molecular consequence: intron variant.
Genome position (GRCh38, 1-based): chr7:82,060,535, T>C on the plus strand (A>G on the coding strand, the complement: CACNA2D1 is on the minus strand). VCF-style: chr7-82060535-T-C. GRCh37 (hg19) VCF-style: chr7-81689851-T-C.
Other names: c.780-8A>G (NM_001366867.1, NM_001302890.2).
Identifiers: ClinVar variation 532165 (VCV000532165.15), dbSNP rs201901297, ClinGen allele CA4318218.

ClinVar aggregate classification (germline): Likely benign. Review status: criteria provided, multiple submitters, no conflicts (2 of 4 stars). 3 submissions from 3 submitters: Likely benign (2). 1 of the submissions does not count toward it. Last evaluated 2026-01-11.

Conditions:
Brugada syndrome. Also called: Sudden unexplained nocturnal death syndrome; Sudden Unexplained Death Syndrome; Sudden Unexplained Nocturnal Death Syndrome (SUNDS); Sudden unexpected nocturnal death syndrome. Identifiers: Orphanet 130, MedGen C1142166, MONDO:0015263.
CACNA2D1-related disorder. Also called: CACNA2D1-related condition.

Allele frequency attached by ClinVar (database versions not stated): gnomAD exomes 0.00011 and 0.00016; ExAC 0.00012; 1000 Genomes Project 30x 0.00031; 1000 Genomes Project 0.00040; ESP Exome Variant Server 0.00062; gnomAD 0.00075 and 0.00082; TOPMed 0.00090.
gnomAD v4.1: 274 of 1,531,016 alleles (0.018%); highest among the groups gnomAD compares: African/African-American, 0.25%; 1 homozygote.

Submissions (3):

Labcorp Genetics (formerly Invitae), Labcorp
Classification: Likely benign for Brugada syndrome. Last evaluated: 2026-01-11. Review status: criteria provided, single submitter. Criteria: Invitae Variant Classification Sherloc (09022015). Collection method: clinical testing. Allele origin: germline.

GeneDx
Classification: Likely benign. Last evaluated: 2019-09-10. Review status: criteria provided, single submitter. Criteria: GeneDx Variant Classification Process June 2021. Collection method: clinical testing. Allele origin: germline. Affected: yes.

PreventionGenetics, part of Exact Sciences
Classification: Likely benign for CACNA2D1-related condition. Last evaluated: 2019-06-21. Review status: no assertion criteria provided. Collection method: clinical testing. Allele origin: germline. Not counted in ClinVar's aggregate classification.
Comment: This variant is classified as likely benign based on ACMG/AMP sequence variant interpretation guidelines (Richards et al. 2015 PMID: 25741868, with internal and published modifications).